The following is an entry in ClinVar:

NM_001367479.1(DNAH14):c.2434T>C (p.Ser812Pro)

Gene: DNAH14 (dynein axonemal heavy chain 14; plus strand). Cytogenetic location: 1q42.12.
Variant type: single nucleotide variant.
Coding change: c.2434T>C on transcript NM_001367479.1 (MANE Select); coding-DNA position 2434, T replaced by C.
Protein change: p.Ser812Pro; replaces serine 812 with proline.
Molecular consequence: missense variant.
Genome position (GRCh38, 1-based): chr1:225,079,216, T>C. VCF-style: chr1-225079216-T-C. GRCh37 (hg19) VCF-style: chr1-225266918-T-C.
Other names: NM_001373.1:c.2434T>C; short protein forms S812P.
Identifiers: ClinVar variation 3368269 (VCV003368269.1).

ClinVar aggregate classification (germline): Uncertain significance (1 of 4 stars; one submission).

Submission:

GeneDx
Classification: Uncertain significance. Last evaluated: 2024-01-26. Review status: criteria provided, single submitter. Criteria: GeneDx Variant Classification Process June 2021. Collection method: clinical testing. Allele origin: germline. Affected: yes.
Comment: Not observed at significant frequency in large population cohorts (gnomAD); In silico analysis supports that this missense variant has a deleterious effect on protein structure/function; Has not been previously published as pathogenic or benign to our knowledge